The following is an entry in ClinVar:

NM_201525.4(ADGRG1):c.260del (p.Leu87fs)

Gene: ADGRG1 (adhesion G protein-coupled receptor G1; plus strand). Cytogenetic location: 16q21.
Variant type: Deletion.
Coding change: c.260del on transcript NM_201525.4 (MANE Select); coding-DNA position 260, one base deleted (T; older notation c.260delT).
Protein change: p.Leu87fs; shifts the reading frame from leucine 87.
Molecular consequence: frameshift variant. On other transcripts: 5 prime UTR variant (5), intron variant (1).
Genome position (GRCh38, 1-based): chr16:57,651,395, T deleted. VCF-style (leftmost placement, unchanged base first): chr16-57651394-CT-C. GRCh37 (hg19) VCF-style: chr16-57685306-CT-C.
Other names: c.260del, p.Leu87fs (NM_001370430.1, NM_001370431.1, NM_001370432.1 and 16 more transcripts); c.275del, p.Leu92fs (NM_001370433.1, NM_001145773.3); c.104del, p.Leu35fs (NM_001370442.1); c.-266del (NM_001370451.1, NM_001370453.1, NM_001370454.1 and 2 more transcripts); c.110+150del (NM_001290142.2); short protein forms L87fs, L35fs, L92fs.
Identifiers: ClinVar variation 2766652 (VCV002766652.3), dbSNP rs2545108452, ClinGen allele CA2697555878.
Genomic context (GRCh38, chr16:57,651,394, plus strand): 5'-GTCCATGCCCCTTTCCCTGCAGCCCACCCTGCTTCCCGATCCTTCCCTGACCCCAGGGGC[CT>C]CTACCACTTCTGCCTCTACTGGAACCGACATGCTGGGAGATTACATCTTCTCTATGGCAA-3'

ClinVar aggregate classification (germline): Pathogenic (1 of 4 stars; one submission).

Submission:

Labcorp Genetics (formerly Invitae), Labcorp
Classification: Pathogenic. Last evaluated: 2023-10-07. Review status: criteria provided, single submitter. Criteria: Invitae Variant Classification Sherloc (09022015). Collection method: clinical testing. Allele origin: germline.
Comment: This sequence change creates a premature translational stop signal (p.Leu87Profs*26) in the ADGRG1 gene. It is expected to result in an absent or disrupted protein product. Loss-of-function variants in ADGRG1 are known to be pathogenic (PMID: 15044805, 20929962). This variant is not present in population databases (gnomAD no frequency). This variant has not been reported in the literature in individuals affected with ADGRG1-related conditions. For these reasons, this variant has been classified as Pathogenic.

Literature cited by the submitters: PubMed 15044805; PubMed 20929962.